The following is an entry in ClinVar:

ClinVar aggregate classification (germline): Uncertain significance (1 of 4 stars; one submission).

Conditions:
Adenylosuccinate lyase deficiency (ADSLD). Also called: ADSL DEFICIENCY. Identifiers: Orphanet 46, MedGen C0268126, MONDO:0007068, OMIM 103050.

Submission:

Labcorp Genetics (formerly Invitae), Labcorp
Classification: Uncertain significance for Adenylosuccinate lyase deficiency. Last evaluated: 2022-03-27. Review status: criteria provided, single submitter. Criteria: Invitae Variant Classification Sherloc (09022015). Collection method: clinical testing. Allele origin: germline.
Comment: In summary, the available evidence is currently insufficient to determine the role of this variant in disease. Therefore, it has been classified as a Variant of Uncertain Significance. Experimental studies and prediction algorithms are not available or were not evaluated, and the functional significance of this variant is currently unknown. This variant has not been reported in the literature in individuals affected with ADSL-related conditions. This variant is not present in population databases (gnomAD no frequency). This variant occurs in a non-coding region of the ADSL gene. It does not change the encoded amino acid sequence of the ADSL protein.

NC_000022.11:g.40345505C>T

Gene: ADSL (adenylosuccinate lyase; plus strand). Cytogenetic location: 22q13.1.
Variant type: single nucleotide variant.
Genome position: GRCh38 VCF-style: chr22-40345505-C-T. GRCh37 (hg19) VCF-style: chr22-40741509-C-T.
Identifiers: ClinVar variation 1942657 (VCV001942657.6), dbSNP rs1162168332, ClinGen allele CA2572794376.